The following is an entry in ClinVar:

ClinVar aggregate classification (germline): Benign (1 of 4 stars; one submission).

Submission:

CeGaT Center for Human Genetics Tuebingen
Classification: Benign. Last evaluated: 2026-08-01. Review status: criteria provided, single submitter. Criteria: CeGaT Center For Human Genetics Tuebingen Variant Classification Criteria Version 2. Collection method: clinical testing. Allele origin: germline. Affected: yes. Observed: 14 variant alleles.
Comment: PPP2R2B: BS1, BS2

NM_181674.3(PPP2R2B):c.75-562AGC[11]

Genes: PPP2R2B (protein phosphatase 2 regulatory subunit Bbeta; minus strand), LOC108660405 (protein phosphatase 2 regulatory subunit Bbeta repeat instability region; plus strand). Cytogenetic location: 5q32.
Variant type: Microsatellite.
Coding change: c.75-562AGC[11] on transcript NM_181674.3; 11 copies in a row of the 3-base unit AGC starting at c.75-562; the reference has ten copies in a row; one copy, 3 bases duplicated.
Molecular consequence: intron variant.
Genome position (GRCh38, 1-based): chr5:146,878,728-146,878,730, GCT duplicated on the plus strand (AGC on the coding strand, the reverse complement: PPP2R2B is on the minus strand); duplicating any 3 consecutive bases within chr5:146,878,728-146,878,759 gives the same sequence; the position shown is the placement nearest the transcript's 3' end. VCF-style (leftmost placement, unchanged base first): chr5-146878727-A-AGCT. GRCh37 (hg19) VCF-style: chr5-146258290-A-AGCT.
Other names: c.51-562AGC[11] (NM_001271900.2); c.79+176908AGC[11] (NM_181676.3); c.89-177615AGC[11] (NM_001271899.1); c.-48-22174AGC[11] (NM_181678.2); c.10+156412AGC[11] (NM_181677.2).
Identifiers: ClinVar variation 2655887 (VCV002655887.22), dbSNP rs10591869, ClinGen allele CA129612443.